The following is an entry in ClinVar:

NM_032888.4(COL27A1):c.2088T>A (p.Pro696=)

Gene: COL27A1 (collagen type XXVII alpha 1 chain; plus strand). Cytogenetic location: 9q32.
Variant type: single nucleotide variant.
Coding change: c.2088T>A on transcript NM_032888.4 (MANE Select); coding-DNA position 2088, T replaced by A.
Protein change: p.Pro696=; no amino-acid change (proline 696 retained).
Molecular consequence: synonymous variant.
Genome position (GRCh38, 1-based): chr9:114,195,976, T>A. VCF-style: chr9-114195976-T-A. GRCh37 (hg19) VCF-style: chr9-116958256-T-A.
Identifiers: ClinVar variation 2753648 (VCV002753648.10), dbSNP rs995020214, ClinGen allele CA466776178.
Genomic context (GRCh38, chr9:114,195,976, plus strand): 5'-GCTCCCGTTTTCCTGCCTCACCCACCTTGTCTGTGTCTTCCAGGGTGACATGGGCTTGCC[T>A]GGGCTCTCCGGGAATCCAGGACCTCCGGGACGAAAGGTACTGTTTGGTTTTGATGCTTTG-3'
Protein context (NP_116277.2, residues 686-706): HDGAKGDMGL[Pro696=]GLSGNPGPPG

ClinVar aggregate classification (germline): Likely benign. Review status: criteria provided, multiple submitters, no conflicts (2 of 4 stars). 2 submissions from 2 submitters: Likely benign (2). Last evaluated 2025-09-01.

gnomAD v4.1: 2 of 1,614,138 alleles (0.00012%); no homozygotes.

Submissions (2):

CeGaT Center for Human Genetics Tuebingen
Classification: Likely benign. Last evaluated: 2025-09-01. Review status: criteria provided, single submitter. Criteria: CeGaT Center For Human Genetics Tuebingen Variant Classification Criteria Version 2. Collection method: clinical testing. Allele origin: germline. Affected: yes. Observed: 1 variant allele.
Comment: COL27A1: BP4, BP7

Labcorp Genetics (formerly Invitae), Labcorp
Classification: Likely benign. Last evaluated: 2023-08-18. Review status: criteria provided, single submitter. Criteria: Invitae Variant Classification Sherloc (09022015). Collection method: clinical testing. Allele origin: germline.